The following is an entry in ClinVar:

ClinVar aggregate classification (germline): Uncertain significance. Review status: criteria provided, multiple submitters, no conflicts (2 of 4 stars). 2 submissions from 2 submitters: Uncertain significance (2). Last evaluated 2025-12-11.

Conditions:
Hypophosphatasia. Also called: Phosphoethanol-aminuria. Identifiers: Orphanet 436, MedGen C0020630, MeSH D007014, MONDO:0018570.

gnomAD v4.1: 14 of 1,613,560 alleles (0.00087%); highest among the groups gnomAD compares: Non-Finnish European, 0.0012%; no homozygotes.

Submissions (2):

JKU Lab, Dept of Paediatrics, Johannes Kepler University
Classification: Uncertain significance for Hypophosphatasia. Last evaluated: 2025-12-11. Review status: criteria provided, single submitter. Criteria: ACMG Guidelines, 2015. Collection method: curation. Allele origin: germline. Affected: yes.
Comment: This missense variant is present in GnomAD 4.1 (f = 9.5806e-06) and affects a highly conserved amino acid in the homodimeric interface domain. The variant is not predicted to affect protein function (REVEL score: 0.432). Splice-prediction algorithms predict no effect on splicing. This variant has been reported in the literature in individuals affected with ALPL-related conditions (PMID:27699270).

Genomenon, Inc
Classification: Uncertain significance for Hypophosphatasia. Last evaluated: 2025-08-29. Review status: criteria provided, single submitter. Criteria: Genomenon Sequence Variant Interpretation Standards. Collection method: curation. Allele origin: germline. Affected: yes.
Comment: ALPL c.252G>C is a missense variant that changes the amino acid at residue 84 from Glutamic acid to Aspartic acid. This variant has been observed in at least one proband affected with hypophosphatasia (PMID:27699270). It is absent or not present at a significant frequency in gnomAD. In conclusion, we classify ALPL p.Glu84Asp (c.252G>C) as a variant of unknown significance.

Literature cited by the submitters: PubMed 27699270 (cited by JKU Lab, Dept of Paediatrics, Johannes Kepler University and Genomenon, Inc).

NM_000478.6(ALPL):c.252G>C (p.Glu84Asp)

Gene: ALPL (alkaline phosphatase, biomineralization associated; plus strand). Cytogenetic location: 1p36.12.
Variant type: single nucleotide variant.
Coding change: c.252G>C on transcript NM_000478.6 (MANE Select); coding-DNA position 252, G replaced by C.
Protein change: p.Glu84Asp; replaces glutamic acid 84 with aspartic acid.
Molecular consequence: missense variant. On other transcripts: intron variant (1).
Genome position (GRCh38, 1-based): chr1:21,561,167, G>C. VCF-style: chr1-21561167-G-C. GRCh37 (hg19) VCF-style: chr1-21887660-G-C.
Other names: c.87G>C, p.Glu29Asp (NM_001127501.4); c.252G>C, p.Glu84Asp (NM_001369803.2, NM_001369804.2, NM_001369805.2); c.66+422G>C (NM_001177520.3); short protein forms E29D, E84D.
Identifiers: ClinVar variation 4086919 (VCV004086919.2).